The following is an entry in ClinVar:

ClinVar aggregate classification (germline): Conflicting classifications of pathogenicity. Review status: criteria provided, conflicting classifications (1 of 4 stars). 14 submissions from 9 submitters: Uncertain significance (4); Benign (3); Likely benign (3). 4 of the submissions do not count toward it. Last evaluated 2026-02-01.

Conditions:
PRPH2-related disorder. Also called: PRPH2-related condition; PRPH2-related disorders. Identifiers: MedGen CN239395.
Retinal dystrophy. Also called: Inherited retinal dystrophy. Identifiers: Orphanet 71862, MedGen C0854723, MeSH D058499, MONDO:0019118, HP:0000556.
Retinitis pigmentosa (RP). Identifiers: Orphanet 791, MedGen C0035334, MeSH D012174, MONDO:0019200, OMIM 268000. Inheritance: Autosomal dominant, autosomal recessive and X linked inheritance.
Pigmentary retinal dystrophy. Also called: Fundus albipunctatus. Identifiers: Orphanet 227796, Orphanet 52427, MedGen C0311338, MONDO:0007639, OMIM 136880, HP:0030642.
Choroidal dystrophy, central areolar 2 (CACD2). Also called: Choriodal Dystrophy, Central Areolar 2; MACULAR DYSTROPHY, PROGRESSIVE. Identifiers: Orphanet 75377, MedGen C2751290, MONDO:0013137, OMIM 613105.
Patterned macular dystrophy 1. Also called: MACULAR DYSTROPHY, BUTTERFLY-SHAPED PIGMENTARY; BUTTERFLY DYSTROPHY OF RETINAL PIGMENT EPITHELIUM. Identifiers: Orphanet 99001, MedGen C4551999, MONDO:0008210, OMIM 169150.
Cone-rod dystrophy. Also called: Cone/cone-rod dystrophy; Cone-rod degeneration. Identifiers: Orphanet 1872, MedGen C4085590, MONDO:0015993, HP:0000548.
Adult-onset foveomacular vitelliform dystrophy. Also called: FOVEOMACULAR DYSTROPHY, ADULT-ONSET; Adult onset vitelliform dystrophy; FOVEOMACULAR DYSTROPHY, ADULT-ONSET, WITH OR WITHOUT CHOROIDAL NEOVASCULARIZATION. Identifiers: Orphanet 99000, MedGen C1842914, MONDO:0011979.

Allele frequency attached by ClinVar (database versions not stated): gnomAD 0.00053 and 0.00054; ESP Exome Variant Server 0.00054; gnomAD exomes 0.00079 and 0.00051; 1000 Genomes Project 30x 0.00016; 1000 Genomes Project 0.00020; ExAC 0.00050; TOPMed 0.00051.
gnomAD v4.1: 1,230 of 1,614,160 alleles (0.076%); highest among the groups gnomAD compares: Middle Eastern, 0.13%; 2 homozygotes.

Submissions (14):

Labcorp Genetics (formerly Invitae), Labcorp
Classification: Likely benign for PRPH2-related disorder. Last evaluated: 2026-02-01. Review status: criteria provided, single submitter. Criteria: Invitae Variant Classification Sherloc (09022015). Collection method: clinical testing. Allele origin: germline.

Blueprint Genetics
Classification: Likely benign. Last evaluated: 2024-11-08. Review status: criteria provided, single submitter. Criteria: ACMG Guidelines, 2015. Collection method: clinical testing. Allele origin: germline.

Dept Of Ophthalmology, Nagoya University
Classification: Benign for Retinal dystrophy. Last evaluated: 2023-10-01. Review status: criteria provided, single submitter. Criteria: Submitter's publication. Collection method: research. Allele origin: germline. Affected: yes.

CeGaT Center for Human Genetics Tuebingen
Classification: Likely benign. Last evaluated: 2023-04-01. Review status: criteria provided, single submitter. Criteria: CeGaT Center For Human Genetics Tuebingen Variant Classification Criteria Version 2. Collection method: clinical testing. Allele origin: germline. Affected: yes. Observed: 3 variant alleles.
Comment: PRPH2: BP4, BP7

Illumina Laboratory Services, Illumina
Classification: Uncertain significance for Choroidal dystrophy, central areolar 2. Last evaluated: 2017-04-27. Review status: criteria provided, single submitter. Criteria: ICSL Variant Classification Criteria 13 December 2019. Collection method: clinical testing. Allele origin: germline.

Illumina Laboratory Services, Illumina
Classification: Uncertain significance for Patterned macular dystrophy 1. Last evaluated: 2017-04-27. Review status: criteria provided, single submitter. Criteria: ICSL Variant Classification Criteria 13 December 2019. Collection method: clinical testing. Allele origin: germline.

Illumina Laboratory Services, Illumina
Classification: Uncertain significance for Pigmentary retinal dystrophy. Last evaluated: 2017-04-27. Review status: criteria provided, single submitter. Criteria: ICSL Variant Classification Criteria 13 December 2019. Collection method: clinical testing. Allele origin: germline.

Illumina Laboratory Services, Illumina
Classification: Benign for Vitelliform macular dystrophy 3. Last evaluated: 2017-04-27. Review status: criteria provided, single submitter. Criteria: ICSL Variant Classification Criteria 13 December 2019. Collection method: clinical testing. Allele origin: germline.
Comment: This variant was observed as part of a predisposition screen in an ostensibly healthy population. A literature search was performed for the gene, cDNA change, and amino acid change (where applicable). No publications were found based on this search. Allele frequency data from public databases was too high to be consistent with this variant causing disease. Therefore, this variant is classified as benign.

Illumina Laboratory Services, Illumina
Classification: Benign for Cone-rod dystrophy. Last evaluated: 2017-04-27. Review status: criteria provided, single submitter. Criteria: ICSL Variant Classification Criteria 13 December 2019. Collection method: clinical testing. Allele origin: germline.
Comment: the same text as in the submission from Illumina Laboratory Services, Illumina above.

Illumina Laboratory Services, Illumina
Classification: Uncertain significance for Retinitis pigmentosa. Last evaluated: 2017-04-27. Review status: criteria provided, single submitter. Criteria: ICSL Variant Classification Criteria 13 December 2019. Collection method: clinical testing. Allele origin: germline.

PreventionGenetics, part of Exact Sciences
Classification: Likely benign for PRPH2-related condition. Last evaluated: 2024-09-16. Review status: no assertion criteria provided. Collection method: clinical testing. Allele origin: germline. Not counted in ClinVar's aggregate classification.
Comment: This variant is classified as likely benign based on ACMG/AMP sequence variant interpretation guidelines (Richards et al. 2015 PMID: 25741868, with internal and published modifications).

Clinical Genetics DNA and cytogenetics Diagnostics Lab, Erasmus MC, Erasmus Medical Center
Classification: Likely benign. Review status: no assertion criteria provided. Collection method: clinical testing. Allele origin: germline. Affected: yes. Study: VKGL Data-share Consensus. Not counted in ClinVar's aggregate classification.

Clinical Genetics, Academic Medical Center
Classification: Benign. Review status: no assertion criteria provided. Collection method: clinical testing. Allele origin: germline. Affected: yes. Study: VKGL Data-share Consensus. Not counted in ClinVar's aggregate classification.

Retina International
No classification provided. Review status: no classification provided. Collection method: not provided. Allele origin: unknown. Not counted in ClinVar's aggregate classification.

NM_000322.5(PRPH2):c.249C>T (p.Tyr83=)

Gene: PRPH2 (peripherin 2; minus strand). Cytogenetic location: 6p21.1.
Variant type: single nucleotide variant.
Coding change: c.249C>T on transcript NM_000322.5 (MANE Select); coding-DNA position 249, C replaced by T.
Protein change: p.Tyr83=; no amino-acid change (tyrosine 83 retained).
Molecular consequence: synonymous variant.
Genome position (GRCh38, 1-based): chr6:42,722,086, G>A on the plus strand (C>T on the coding strand, the complement: PRPH2 is on the minus strand). VCF-style: chr6-42722086-G-A. GRCh37 (hg19) VCF-style: chr6-42689824-G-A.
Identifiers: ClinVar variation 98658 (VCV000098658.59), dbSNP rs61755775, ClinGen allele CA226218.